The following is an entry in ClinVar:

NM_003718.5(CDK13):c.2227G>T (p.Glu743Ter)

Gene: CDK13 (cyclin dependent kinase 13; plus strand). Cytogenetic location: 7p14.1.
Variant type: single nucleotide variant.
Coding change: c.2227G>T on transcript NM_003718.5 (MANE Select); coding-DNA position 2227, G replaced by T.
Protein change: p.Glu743Ter; replaces glutamic acid 743 with a stop codon.
Molecular consequence: nonsense.
Genome position (GRCh38, 1-based): chr7:40,001,905, G>T. VCF-style: chr7-40001905-G-T. GRCh37 (hg19) VCF-style: chr7-40041504-G-T.
Other names: c.2227G>T, p.Glu743Ter (NM_031267.4); short protein forms E743*.
Identifiers: ClinVar variation 1695188 (VCV001695188.31), dbSNP rs2116327525, ClinGen allele CA367289358.
Genomic context (GRCh38, chr7:40,001,905, plus strand): 5'-TTAAATTCCTTAATAGGAGAAATGGTAGCCTTAAAAAAAGTACGTCTGGATAATGAAAAG[G>T]AAGGCTTTCCAATTACAGCAATTCGAGAAATTAAAATTCTCCGGCAGCTTACCCATCAGA-3'

ClinVar aggregate classification (germline): Pathogenic (1 of 4 stars; one submission).

Submission:

CeGaT Center for Human Genetics Tuebingen
Classification: Pathogenic. Last evaluated: 2022-05-01. Review status: criteria provided, single submitter. Criteria: CeGaT Center For Human Genetics Tuebingen Variant Classification Criteria Version 2. Collection method: clinical testing. Allele origin: germline. Affected: yes. Observed: 1 variant allele.
Comment: CDK13: PS2, PVS1:Strong, PM2